The following is an entry in ClinVar:

NM_000531.6(OTC):c.419C>T (p.Ala140Val)

Gene: OTC (ornithine transcarbamylase; plus strand). Cytogenetic location: Xp11.4.
Variant type: single nucleotide variant.
Coding change: c.419C>T on transcript NM_000531.6 (MANE Select); coding-DNA position 419, C replaced by T.
Protein change: p.Ala140Val; replaces alanine 140 with valine.
Molecular consequence: missense variant.
Genome position (GRCh38, 1-based): chrX:38,401,307, C>T. VCF-style: chrX-38401307-C-T. GRCh37 (hg19) VCF-style: chrX-38260560-C-T.
Other names: short protein forms A140V.
Identifiers: ClinVar variation 1476517 (VCV001476517.8), dbSNP rs2147341270, ClinGen allele CA412723092.

ClinVar aggregate classification (germline): Conflicting classifications of pathogenicity. Review status: criteria provided, conflicting classifications (1 of 4 stars). 2 submissions from 2 submitters: Likely pathogenic (1); Uncertain significance (1). Last evaluated 2025-07-30.

Conditions:
Ornithine carbamoyltransferase deficiency (OTCD). Also called: ORNITHINE TRANSCARBAMYLASE DEFICIENCY; Ornithine Carbamoyltransferase Deficiency Disease; ORNITHINE TRANSCARBAMYLASE DEFICIENCY, HYPERAMMONEMIA DUE TO; OTC DEFICIENCY. Identifiers: Orphanet 664, MedGen C0268542, MONDO:0010703, OMIM 311250.

Submissions (2):

Women's Health and Genetics/Laboratory Corporation of America, LabCorp
Classification: Uncertain significance. Last evaluated: 2025-07-30. Review status: criteria provided, single submitter. Criteria: LabCorp Variant Classification Summary - May 2015. Collection method: clinical testing. Allele origin: germline.
Comment: Variant summary: OTC c.419C>T (p.Ala140Val) results in a non-conservative amino acid change located in the Aspartate/ornithine carbamoyltransferase, carbamoyl-P binding domain (IPR006132) of the encoded protein sequence. Algorithms developed to predict the effect of missense changes on protein structure and function all suggest that this variant is likely to be disruptive. The variant was absent in 182282 control chromosomes (gnomAD). To our knowledge, no occurrence of c.419C>T in individuals affected with Ornithine Transcarbamylase Deficiency and no experimental evidence demonstrating its impact on protein function have been reported. A different variant affecting the same codon has been classified as likely pathogenic by our lab (c.418G>C, p.Ala140Pro), supporting the critical relevance of codon 140 to OTC protein function. ClinVar contains an entry for this variant (Variation ID: 1476517). Based on the evidence outlined above, the variant was classified as VUS-possibly pathogenic.

Labcorp Genetics (formerly Invitae), Labcorp
Classification: Likely pathogenic for Ornithine carbamoyltransferase deficiency. Last evaluated: 2021-11-02. Review status: criteria provided, single submitter. Criteria: Invitae Variant Classification Sherloc (09022015). Collection method: clinical testing. Allele origin: germline.
Comment: Advanced modeling of protein sequence and biophysical properties (such as structural, functional, and spatial information, amino acid conservation, physicochemical variation, residue mobility, and thermodynamic stability) performed at Invitae indicates that this missense variant is expected to disrupt OTC protein function. In summary, the currently available evidence indicates that the variant is pathogenic, but additional data are needed to prove that conclusively. Therefore, this variant has been classified as Likely Pathogenic. This variant disrupts the p.Ala140 amino acid residue in OTC. Other variant(s) that disrupt this residue have been observed in individuals with OTC-related conditions (PMID: 8099056, 19138872, 22099885), which suggests that this may be a clinically significant amino acid residue. This variant has not been reported in the literature in individuals affected with OTC-related conditions. This variant is not present in population databases (gnomAD no frequency). This sequence change replaces alanine, which is neutral and non-polar, with valine, which is neutral and non-polar, at codon 140 of the OTC protein (p.Ala140Val).

Literature cited by the submitters: PubMed 8099056 (cited by Labcorp Genetics (formerly Invitae), Labcorp); PubMed 19138872 (cited by Labcorp Genetics (formerly Invitae), Labcorp); PubMed 22099885 (cited by Labcorp Genetics (formerly Invitae), Labcorp).